The following is an entry in ClinVar:

NM_000298.6(PKLR):c.811G>T (p.Asp271Tyr)

Gene: PKLR (pyruvate kinase L/R; minus strand). Cytogenetic location: 1q22.
Variant type: single nucleotide variant.
Coding change: c.811G>T on transcript NM_000298.6 (MANE Select); coding-DNA position 811, G replaced by T.
Protein change: p.Asp271Tyr; replaces aspartic acid 271 with tyrosine.
Molecular consequence: missense variant.
Genome position (GRCh38, 1-based): chr1:155,294,636, C>A on the plus strand (G>T on the coding strand, the complement: PKLR is on the minus strand). VCF-style: chr1-155294636-C-A. GRCh37 (hg19) VCF-style: chr1-155264427-C-A.
Other names: c.718G>T, p.Asp240Tyr (NM_181871.4); short protein forms D240Y, D271Y.
Identifiers: ClinVar variation 1320831 (VCV001320831.2), dbSNP rs1454650109, ClinGen allele CA342754321.

ClinVar aggregate classification (germline): Uncertain significance (1 of 4 stars; one submission).

Allele frequency attached by ClinVar (database versions not stated): gnomAD exomes below 0.00001.
gnomAD v4.1: 2 of 1,614,204 alleles (0.00012%); highest among the groups gnomAD compares: Admixed American, 0.0017%; no homozygotes.

Submission:

GeneDx
Classification: Uncertain significance. Last evaluated: 2019-11-04. Review status: criteria provided, single submitter. Criteria: GeneDx Variant Classification Process June 2021. Collection method: clinical testing. Allele origin: germline. Affected: yes.
Comment: Not observed at a significant frequency in large population cohorts (Lek et al., 2016); In silico analysis, which includes protein predictors and evolutionary conservation, supports a deleterious effect; Has not been previously published as pathogenic or benign to our knowledge; Missense variants in nearby residues reported in the Human Gene Mutation Database in individuals with PKLR-related disorders (Stenson et al., 2014)